The following is an entry in ClinVar:

NM_003482.4(KMT2D):c.4143G>A (p.Val1381=)

Gene: KMT2D (lysine methyltransferase 2D; minus strand). Cytogenetic location: 12q13.12.
Variant type: single nucleotide variant.
Coding change: c.4143G>A on transcript NM_003482.4 (MANE Select); coding-DNA position 4143, G replaced by A.
Protein change: p.Val1381=; no amino-acid change (valine 1381 retained).
Molecular consequence: synonymous variant.
Genome position (GRCh38, 1-based): chr12:49,048,058, C>T on the plus strand (G>A on the coding strand, the complement: KMT2D is on the minus strand). VCF-style: chr12-49048058-C-T. GRCh37 (hg19) VCF-style: chr12-49441841-C-T.
Identifiers: ClinVar variation 94217 (VCV000094217.26), dbSNP rs398123745, ClinGen allele CA222076.

ClinVar aggregate classification (germline): Benign/Likely benign. Review status: criteria provided, multiple submitters, no conflicts (2 of 4 stars). 6 submissions from 6 submitters: Benign (4); Likely benign (1). 1 of the submissions does not count toward it. Last evaluated 2026-07-01.

Conditions:
KMT2D-related disorder. Also called: KMT2D-Related Disorders.
Kabuki syndrome. Also called: NIIKAWA-KUROKI SYNDROME; Kabuki make-up syndrome. Identifiers: Orphanet 2322, MedGen C0796004, MONDO:0016512.

Allele frequency attached by ClinVar (database versions not stated): gnomAD 0.00011; gnomAD exomes 0.00014 and 0.00068; TOPMed 0.00025; ExAC 0.00050.
gnomAD v4.1: 212 of 1,604,972 alleles (0.013%); highest among the groups gnomAD compares: Admixed American, 0.35%; no homozygotes.

Submissions (6):

CeGaT Center for Human Genetics Tuebingen
Classification: Likely benign. Last evaluated: 2026-07-01. Review status: criteria provided, single submitter. Criteria: CeGaT Center For Human Genetics Tuebingen Variant Classification Criteria Version 2. Collection method: clinical testing. Allele origin: germline. Affected: yes. Observed: 4 variant alleles.
Comment: KMT2D: BP4, BP7, BS1

Labcorp Genetics (formerly Invitae), Labcorp
Classification: Benign for Kabuki syndrome. Last evaluated: 2026-01-25. Review status: criteria provided, single submitter. Criteria: Invitae Variant Classification Sherloc (09022015). Collection method: clinical testing. Allele origin: germline.

Blueprint Genetics
Classification: Benign. Last evaluated: 2024-06-27. Review status: criteria provided, single submitter. Criteria: ACMG Guidelines, 2015. Collection method: clinical testing. Allele origin: germline.

GeneDx
Classification: Benign. Last evaluated: 2021-01-21. Review status: criteria provided, single submitter. Criteria: GeneDx Variant Classification Process June 2021. Collection method: clinical testing. Allele origin: germline. Affected: yes.
Comment: This variant is associated with the following publications: (PMID: 28933623)

Eurofins Ntd Llc (ga)
Classification: Benign. Last evaluated: 2017-02-17. Review status: criteria provided, single submitter. Criteria: EGL Classification Definitions 2015. Collection method: clinical testing. Allele origin: germline. Observed: 1 variant allele, 1 heterozygote.

PreventionGenetics, part of Exact Sciences
Classification: Benign for KMT2D-related condition. Last evaluated: 2019-07-01. Review status: no assertion criteria provided. Collection method: clinical testing. Allele origin: germline. Not counted in ClinVar's aggregate classification.
Comment: This variant is classified as benign based on ACMG/AMP sequence variant interpretation guidelines (Richards et al. 2015 PMID: 25741868, with internal and published modifications).